The following is an entry in ClinVar:

ClinVar aggregate classification (germline): Uncertain significance. Review status: criteria provided, multiple submitters, no conflicts (2 of 4 stars). 2 submissions from 2 submitters: Uncertain significance (2). Last evaluated 2025-11-14.

Conditions:
Familial cold autoinflammatory syndrome 2 (FCAS2). Identifiers: Orphanet 247868, MedGen C2673198, MONDO:0012724, OMIM 611762.

Allele frequency attached by ClinVar (database versions not stated): gnomAD exomes 0.00004 and 0.00001; ExAC 0.00005; TOPMed 0.00021; ESP Exome Variant Server 0.00015; gnomAD 0.00019 and 0.00023.
gnomAD v4.1: 53 of 1,614,086 alleles (0.0033%); highest among the groups gnomAD compares: African/African-American, 0.064%; no homozygotes.

Submissions (2):

Dasa
Classification: Uncertain significance. Last evaluated: 2025-11-14. Review status: criteria provided, single submitter. Criteria: DASA Assertion Criteria. Collection method: clinical testing. Allele origin: germline.
Comment: NM_144687.4(NLRP12):c.210G>A (p.Trp70*) is a nonsense variant in NLRP12 predicted to introduce a premature termination codon and is predicted to result in an absent or altered protein product. This variant is rare in population databases. The currently available literature and clinical evidence are not sufficient to establish a definitive association between this variant and the reported condition. Therefore, this variant is classified as a variant of uncertain significance.

Labcorp Genetics (formerly Invitae), Labcorp
Classification: Uncertain significance for Familial cold autoinflammatory syndrome 2. Last evaluated: 2025-10-15. Review status: criteria provided, single submitter. Criteria: Invitae Variant Classification Sherloc (09022015). Collection method: clinical testing. Allele origin: germline.
Comment: This sequence change creates a premature translational stop signal (p.Trp70*) in the NLRP12 gene. It is expected to result in an absent or disrupted protein product. However, the current clinical and genetic evidence is not sufficient to establish whether loss-of-function variants in NLRP12 cause disease. This variant is present in population databases (rs146793418, gnomAD 0.05%). This premature translational stop signal has been observed in individual(s) with an autoinflammatory disorder (PMID: 35482138). ClinVar contains an entry for this variant (Variation ID: 935794). Algorithms developed to predict the effect of sequence changes on RNA splicing suggest that this variant may disrupt the consensus splice site. In summary, the available evidence is currently insufficient to determine the role of this variant in disease. Therefore, it has been classified as a Variant of Uncertain Significance.

Literature cited by the submitters: PubMed 35482138 (cited by Labcorp Genetics (formerly Invitae), Labcorp).

NM_144687.4(NLRP12):c.210G>A (p.Trp70Ter)

Gene: NLRP12 (NLR family pyrin domain containing 12; minus strand). Cytogenetic location: 19q13.42.
Variant type: single nucleotide variant.
Coding change: c.210G>A on transcript NM_144687.4 (MANE Select); coding-DNA position 210, G replaced by A.
Protein change: p.Trp70Ter; replaces tryptophan 70 with a stop codon.
Molecular consequence: nonsense.
Genome position (GRCh38, 1-based): chr19:53,823,965, C>T on the plus strand (G>A on the coding strand, the complement: NLRP12 is on the minus strand). VCF-style: chr19-53823965-C-T. GRCh37 (hg19) VCF-style: chr19-54327219-C-T.
Other names: c.210G>A, p.Trp70Ter (NM_001277126.2, NM_001277129.1); short protein forms W70*.
Identifiers: ClinVar variation 935794 (VCV000935794.9), dbSNP rs146793418, ClinGen allele CA9639810.